The following is an entry in ClinVar:

ClinVar aggregate classification (germline): Likely benign. Review status: criteria provided, single submitter (1 of 4 stars). 2 submissions from 2 submitters: Likely benign (1). 1 of the submissions does not count toward it. Last evaluated 2022-04-02.

Conditions:
ERCC2-related disorder. Also called: ERCC2-related conditions; ERCC2-related condition; ERCC2-related disorders. Identifiers: MedGen CN239291.
Inborn genetic diseases. Identifiers: MedGen C0950123, MeSH D030342.

Allele frequency attached by ClinVar (database versions not stated): gnomAD exomes below 0.00001.

Submissions (2):

Ambry Genetics
Classification: Likely benign for Inborn genetic diseases. Last evaluated: 2022-04-02. Review status: criteria provided, single submitter. Criteria: Ambry Variant Classification Scheme 2023. Collection method: clinical testing. Allele origin: germline.

PreventionGenetics, part of Exact Sciences
Classification: Likely benign for ERCC2-related condition. Last evaluated: 2024-08-06. Review status: no assertion criteria provided. Collection method: clinical testing. Allele origin: germline. Not counted in ClinVar's aggregate classification.
Comment: This variant is classified as likely benign based on ACMG/AMP sequence variant interpretation guidelines (Richards et al. 2015 PMID: 25741868, with internal and published modifications).

NM_000400.4(ERCC2):c.2187C>T (p.His729=)

Gene: ERCC2 (ERCC excision repair 2, TFIIH core complex helicase subunit; minus strand). Cytogenetic location: 19q13.32.
Variant type: single nucleotide variant.
Coding change: c.2187C>T on transcript NM_000400.4 (MANE Select); coding-DNA position 2187, C replaced by T.
Protein change: p.His729=; no amino-acid change (histidine 729 retained).
Molecular consequence: synonymous variant.
Genome position (GRCh38, 1-based): chr19:45,352,212, G>A on the plus strand (C>T on the coding strand, the complement: ERCC2 is on the minus strand). VCF-style: chr19-45352212-G-A. GRCh37 (hg19) VCF-style: chr19-45855470-G-A.
Identifiers: ClinVar variation 1787346 (VCV001787346.3), dbSNP rs1453079482, ClinGen allele CA507818630.
Genomic context (GRCh38, chr19:45,352,212, plus strand): 5'-CTTTCTGGAGGAGAAGCTCAGCCTGGGAGGGTGCCGGGAGGGGGACGCAGGCCTCACCCG[G>A]TGGAAGGGCTGTGCCATCTGCCGCAGGAAGTACTTGGCCACCTGGACACCCTCGTCCACG-3'
Protein context (NP_000391.1, residues 719-739): YFLRQMAQPF[His729=]REDQLGLSLL